The following is an entry in ClinVar:

ClinVar aggregate classification (germline): Uncertain significance (1 of 4 stars; one submission).

Submission:

GeneDx
Classification: Uncertain significance. Last evaluated: 2021-09-14. Review status: criteria provided, single submitter. Criteria: GeneDx Variant Classification Process June 2021. Collection method: clinical testing. Allele origin: germline. Affected: yes.
Comment: In-frame deletion of 4 amino acids in a non-repeat region; Not observed at significant frequency in large population cohorts (Lek et al., 2016); In silico analysis supports a deleterious effect on protein structure/function; Has not been previously published as pathogenic or benign to our knowledge

NM_001128228.3(TPRN):c.2015_2026del (p.Gln672_Ala675del)

Gene: TPRN (taperin; minus strand). Cytogenetic location: 9q34.3.
Variant type: Deletion.
Coding change: c.2015_2026del on transcript NM_001128228.3 (MANE Select); coding-DNA positions 2015 to 2026, 12 bases deleted (AGGAGCAGGCGC).
Protein change: p.Gln672_Ala675del.
Molecular consequence: inframe deletion.
Genome position (GRCh38, 1-based): chr9:137,192,306-137,192,317, GCGCCTGCTCCT deleted on the plus strand (AGGAGCAGGCGC on the coding strand, the reverse complement: TPRN is on the minus strand); deleting any 12 consecutive bases within chr9:137,192,306-137,192,319 gives the same sequence; the c. name uses the placement nearest the transcript's 3' end. VCF-style (leftmost placement, unchanged base first): chr9-137192305-AGCGCCTGCTCCT-A. GRCh37 (hg19) VCF-style: chr9-140086757-AGCGCCTGCTCCT-A.
Identifiers: ClinVar variation 1300291 (VCV001300291.2), dbSNP rs1834633490, ClinGen allele CA1884347507.